The following is an entry in ClinVar:

ClinVar aggregate classification (germline): Benign/Likely benign. Review status: criteria provided, multiple submitters, no conflicts (2 of 4 stars). 14 submissions from 14 submitters: Benign (9); Likely benign (3). 2 of the submissions do not count toward it. Last evaluated 2026-02-02.

Conditions:
APC-related disorder. Also called: APC-related condition.
Classic or attenuated familial adenomatous polyposis. Identifiers: MedGen CN372698, MONDO:0021057.
Hereditary cancer-predisposing syndrome. Also called: Tumor predisposition; Hereditary neoplastic syndrome; Neoplastic Syndromes, Hereditary; Hereditary Cancer Syndrome. Identifiers: Orphanet 140162, MedGen C0027672, MeSH D009386, MONDO:0015356.
Familial adenomatous polyposis 1 (FAP1). Also called: FAMILIAL ADENOMATOUS POLYPOSIS 1, ATTENUATED; POLYPOSIS, ADENOMATOUS INTESTINAL. Identifiers: MedGen C2713442, MONDO:0021056, OMIM 175100. Disease mechanism: loss of function.
Carcinoma of colon (CRC). Also called: Colonic carcinoma; Colon carcinoma. Identifiers: MedGen C0699790, MONDO:0002032.

Allele frequency attached by ClinVar (database versions not stated): gnomAD 0.00002 and 0.00034; TOPMed 0.00006; ExAC 0.00101; gnomAD exomes 0.00109; 1000 Genomes Project 30x 0.00234; 1000 Genomes Project 0.00280.
gnomAD v4.1: 819 of 1,612,922 alleles (0.051%); highest among the groups gnomAD compares: South Asian, 0.85%; 12 homozygotes.

Submissions (14):

Labcorp Genetics (formerly Invitae), Labcorp
Classification: Benign for Familial adenomatous polyposis 1. Last evaluated: 2026-02-02. Review status: criteria provided, single submitter. Criteria: Invitae Variant Classification Sherloc (09022015). Collection method: clinical testing. Allele origin: germline.

Center for Genomic Medicine, Rigshospitalet, Copenhagen University Hospital
Classification: Likely benign. Last evaluated: 2025-03-04. Review status: criteria provided, single submitter. Criteria: ACMG Guidelines, 2015. Collection method: clinical testing. Allele origin: germline.

Blueprint Genetics
Classification: Likely benign. Last evaluated: 2024-11-08. Review status: criteria provided, single submitter. Criteria: ACMG Guidelines, 2015. Collection method: clinical testing. Allele origin: germline.

Myriad Genetics, Inc.
Classification: Benign for Familial adenomatous polyposis 1. Last evaluated: 2024-03-07. Review status: criteria provided, single submitter. Criteria: Myriad Autosomal Dominant, Autosomal Recessive and X-Linked Classification Criteria (2023). Collection method: clinical testing. Allele origin: unknown.
Comment: This variant is considered benign. This variant is a silent/synonymous amino acid change and it is not expected to impact splicing.

All of Us Research Program, National Institutes of Health
Classification: Benign for Classic or attenuated familial adenomatous polyposis. Last evaluated: 2024-02-05. Review status: criteria provided, single submitter. Criteria: ACMG Guidelines, 2015. Collection method: clinical testing. Allele origin: germline. Inheritance: Autosomal dominant inheritance. Observed: 42 variant alleles, 41 heterozygotes, 1 homozygote.
Comment: This study involves interpretation of variants in research participants for the purpose of population health screening. Participant phenotype was not available at the time of variant classification. Additional details can be found in publication PMID: 35346344, PMCID: PMC8962531

KCCC/NGS Laboratory, Kuwait Cancer Control Center
Classification: Benign for Familial adenomatous polyposis 1. Last evaluated: 2023-07-07. Review status: criteria provided, single submitter. Criteria: ACMG Guidelines, 2015. Collection method: clinical testing. Allele origin: germline. Affected: yes.

Sema4
Classification: Benign for Hereditary cancer-predisposing syndrome. Last evaluated: 2020-11-26. Review status: criteria provided, single submitter. Criteria: Sema4 Curation Guidelines. Collection method: curation. Allele origin: germline.

Quest Diagnostics Nichols Institute San Juan Capistrano
Classification: Benign. Last evaluated: 2019-12-24. Review status: criteria provided, single submitter. Criteria: Quest Diagnostics criteria. Collection method: clinical testing. Allele origin: unknown.

GeneDx
Classification: Benign. Last evaluated: 2018-04-17. Review status: criteria provided, single submitter. Criteria: GeneDx Variant Classification Process June 2021. Collection method: clinical testing. Allele origin: germline. Affected: yes.
Comment: This variant is associated with the following publications: (PMID: 20233475)

Color Diagnostics, LLC DBA Color Health
Classification: Benign for Hereditary cancer-predisposing syndrome. Last evaluated: 2016-05-25. Review status: criteria provided, single submitter. Criteria: ACMG Guidelines, 2015. Collection method: clinical testing. Allele origin: germline.

Women's Health and Genetics/Laboratory Corporation of America, LabCorp
Classification: Benign. Last evaluated: 2016-05-03. Review status: criteria provided, single submitter. Criteria: LabCorp Variant Classification Summary - May 2015. Collection method: clinical testing. Allele origin: germline.
Comment: Variant summary: The APC variant, c.1554G>A (p.Thr518Thr) causes a synonymous change involving a non-conserved nucleotide with 5/5 in silico tools via Alamut predict no significant effect on splicing, although these predictions have yet to be functionally assessed. The variant of interest was observed in the large, broad control population, ExAC, with an allele frequency 122/120352 (1/986 including 2 homozygotes), predominantly in the South Asian cohort, 119/16346 (1/137 including 2 homozygotes), which exceeds the estimated maximum expected allele frequency for a pathogenic APC variant of 1/16611. Therefore, suggesting that the variant of interest is a common polymorphism found in population(s) of South Asian origin. It was reported once in a patient with another causative mutation that is not specified (Scott_Hered Cancer Clin Prac_2004). Multiple reputable clinical laboratories cite the variant with a classification of "likely benign/benign." Therefore, taking all available lines of evidence into consideration, the variant of interest is classified as Benign.

Ambry Genetics
Classification: Likely benign for Hereditary cancer-predisposing syndrome. Last evaluated: 2014-07-30. Review status: criteria provided, single submitter. Criteria: Ambry Variant Classification Scheme 2023. Collection method: clinical testing. Allele origin: germline.

PreventionGenetics, part of Exact Sciences
Classification: Benign for APC-related condition. Last evaluated: 2019-09-03. Review status: no assertion criteria provided. Collection method: clinical testing. Allele origin: germline. Not counted in ClinVar's aggregate classification.
Comment: This variant is classified as benign based on ACMG/AMP sequence variant interpretation guidelines (Richards et al. 2015 PMID: 25741868, with internal and published modifications).

Department of Pathology and Laboratory Medicine, Sinai Health System
Classification: Benign for Carcinoma of colon. Review status: no assertion criteria provided. Collection method: clinical testing. Allele origin: unknown. Affected: yes. Observed: 1 variant allele. Study: The Canadian Open Genetics Repository (COGR). Not counted in ClinVar's aggregate classification.
Comment: The APC p.Thr518Thr variant was identified in 1 of 224 proband chromosomes (frequency: 0.004) from individuals or families with FAP (Scott 2004). The variant was also identified in dbSNP (ID: rs546568052) â€šÃ„ÃºWith likely benign alleleâ€šÃ„Ã¹, the Clinvitae database, InSiGHT Colon Cancer Gene Variant Database, the ClinVar database (classified as a benign variant by Invitae and as likely benign by Ambry Genetics). The variant was identified in the Exome Aggregation Consortium (ExAC) database (released Jan 13, 2015) in 119 of 16346 chromosomes (frequency: 0.00728) from a South Asian population (and in two individuals in homozygous form) as well as at lower frequencies in African, Latino and European (Non-Finnish) individuals and by the 1000 Genomes Project with a minor allele frequency of 0.0028 in an African Caribbean population, although this low number of observations and low frequency is not substantive enough to determine the prevalence of the variant in the general population and its relationship to disease. The p.Thr518Thr variant is not expected to have clinical significance because it does not result in a change of amino acid and is not located in a known consensus splice site. In addition, in silico or computational prediction software programs (SpliceSiteFinder, MaxEntScan, NNSPLICE, GeneSplicer, HumanSpliceFinder) do not predict a difference in splicing. In summary, based on the above information, this variant meets our laboratories criteria to be classified as benign.

Literature cited by the submitters: PubMed 20233475 (cited by Quest Diagnostics Nichols Institute San Juan Capistrano and Women's Health and Genetics/Laboratory Corporation of America, LabCorp).

NM_000038.6(APC):c.1554G>A (p.Thr518=)

Gene: APC (APC regulator of Wnt signaling pathway; plus strand). Cytogenetic location: 5q22.2.
Variant type: single nucleotide variant.
Coding change: c.1554G>A on transcript NM_000038.6 (MANE Select); coding-DNA position 1554, G replaced by A.
Protein change: p.Thr518=; no amino-acid change (threonine 518 retained).
Molecular consequence: synonymous variant.
Genome position (GRCh38, 1-based): chr5:112,827,934, G>A. VCF-style: chr5-112827934-G-A. GRCh37 (hg19) VCF-style: chr5-112163631-G-A.
Other names: c.705G>A, p.Thr235= (NM_001354906.2); c.1074G>A, p.Thr358= (NM_001354905.2); c.1176G>A, p.Thr392= (NM_001354904.2); c.1251G>A, p.Thr417= (NM_001354903.2); c.1281G>A, p.Thr427= (NM_001354902.2); c.1377G>A, p.Thr459= (NM_001354901.2); c.1431G>A, p.Thr477= (NM_001354900.2); c.1470G>A, p.Thr490= (NM_001354899.2); and 5 more.
Identifiers: ClinVar variation 135685 (VCV000135685.33), dbSNP rs546568052, ClinGen allele CA005311.
Genomic context (GRCh38, chr5:112,827,934, plus strand): 5'-AGCTTGGCTTCAAGTTGTCTTTTTAATGATCCTCTATTCTGTATTTAATTTACAGGCTAC[G>A]CTATGCTCTATGAAAGGCTGCATGAGAGCACTTGTGGCCCAACTAAAATCTGAAAGTGAA-3'
Protein context (NP_000029.2, residues 508-528): LTFGDVANKA[Thr518=]LCSMKGCMRA